The following is an entry in ClinVar:

NM_001012720.2(RGR):c.110C>T (p.Thr37Ile)

Gene: RGR (retinal G protein coupled receptor; plus strand). Cytogenetic location: 10q23.1.
Variant type: single nucleotide variant.
Coding change: c.110C>T on transcript NM_001012720.2 (MANE Select); coding-DNA position 110, C replaced by T.
Protein change: p.Thr37Ile; replaces threonine 37 with isoleucine.
Molecular consequence: missense variant.
Genome position (GRCh38, 1-based): chr10:84,247,621, C>T. VCF-style: chr10-84247621-C-T. GRCh37 (hg19) VCF-style: chr10-86007377-C-T.
Other names: c.110C>T, p.Thr37Ile (NM_001012722.2, NM_002921.4); short protein forms T37I.
Identifiers: ClinVar variation 1491747 (VCV001491747.9), dbSNP rs774849552, ClinGen allele CA5581310.

ClinVar aggregate classification (germline): Uncertain significance. Review status: criteria provided, multiple submitters, no conflicts (2 of 4 stars). 2 submissions from 2 submitters: Uncertain significance (2). Last evaluated 2023-10-01.

Conditions:
Retinal dystrophy. Also called: Inherited retinal dystrophy. Identifiers: Orphanet 71862, MedGen C0854723, MeSH D058499, MONDO:0019118, HP:0000556.

Allele frequency attached by ClinVar (database versions not stated): gnomAD exomes 0.00001 and 0.00006; ExAC 0.00003; gnomAD 0.00010 and 0.00012; TOPMed 0.00012.
gnomAD v4.1: 35 of 1,614,084 alleles (0.0022%); highest among the groups gnomAD compares: Admixed American, 0.043%; 1 homozygote.

Submissions (2):

Dept Of Ophthalmology, Nagoya University
Classification: Uncertain significance for Retinal dystrophy. Last evaluated: 2023-10-01. Review status: criteria provided, single submitter. Criteria: Submitter's publication. Collection method: research. Allele origin: germline. Affected: yes.

Labcorp Genetics (formerly Invitae), Labcorp
Classification: Uncertain significance. Last evaluated: 2023-07-17. Review status: criteria provided, single submitter. Criteria: Invitae Variant Classification Sherloc (09022015). Collection method: clinical testing. Allele origin: germline.
Comment: In summary, the available evidence is currently insufficient to determine the role of this variant in disease. Therefore, it has been classified as a Variant of Uncertain Significance. Experimental studies and prediction algorithms are not available or were not evaluated, and the functional significance of this variant is currently unknown. ClinVar contains an entry for this variant (Variation ID: 1491747). This missense change has been observed in individual(s) with ocular disease (PMID: 27748892). This variant is present in population databases (rs774849552, gnomAD 0.03%). This sequence change replaces threonine, which is neutral and polar, with isoleucine, which is neutral and non-polar, at codon 37 of the RGR protein (p.Thr37Ile).

Literature cited by the submitters: PubMed 27748892 (cited by Labcorp Genetics (formerly Invitae), Labcorp).